The following is an entry in ClinVar:

NM_000049.4(ASPA):c.455G>C (p.Cys152Ser)

Genes: ASPA (aspartoacylase; plus strand), SPATA22 (spermatogenesis associated 22; minus strand). Cytogenetic location: 17p13.2.
Variant type: single nucleotide variant.
Coding change: c.455G>C on transcript NM_000049.4 (MANE Select); coding-DNA position 455, G replaced by C.
Protein change: p.Cys152Ser; replaces cysteine 152 with serine.
Molecular consequence: missense variant. On other transcripts: intron variant (2).
Genome position (GRCh38, 1-based): chr17:3,483,521, G>C. VCF-style: chr17-3483521-G-C. GRCh37 (hg19) VCF-style: chr17-3386815-G-C.
Other names: c.455G>C, p.Cys152Ser (NM_001128085.1); c.-73-14123C>G (NM_001321336.2, NM_001321337.2); short protein forms C152S.
Identifiers: ClinVar variation 1928676 (VCV001928676.4), dbSNP rs2543624402, ClinGen allele CA397682720.

ClinVar aggregate classification (germline): Likely pathogenic (1 of 4 stars; one submission).

Conditions:
Spongy degeneration of central nervous system. Also called: ACY2 DEFICIENCY; AMINOACYLASE 2 DEFICIENCY; ASP DEFICIENCY; ASPA DEFICIENCY; ASPARTOACYLASE DEFICIENCY; CANAVAN-VAN BOGAERT-BERTRAND DISEASE. Identifiers: Orphanet 141, MedGen C0206307, MONDO:0010079, OMIM 271900.

Submission:

Labcorp Genetics (formerly Invitae), Labcorp
Classification: Likely pathogenic for Spongy degeneration of central nervous system. Last evaluated: 2022-05-29. Review status: criteria provided, single submitter. Criteria: Invitae Variant Classification Sherloc (09022015). Collection method: clinical testing. Allele origin: germline.
Comment: This variant has not been reported in the literature in individuals affected with ASPA-related conditions. This sequence change replaces cysteine, which is neutral and slightly polar, with serine, which is neutral and polar, at codon 152 of the ASPA protein (p.Cys152Ser). This variant is not present in population databases (gnomAD no frequency). Advanced modeling of protein sequence and biophysical properties (such as structural, functional, and spatial information, amino acid conservation, physicochemical variation, residue mobility, and thermodynamic stability) performed at Invitae indicates that this missense variant is expected to disrupt ASPA protein function. This variant disrupts the p.Cys152 amino acid residue in ASPA. Other variant(s) that disrupt this residue have been determined to be pathogenic (PMID: 7599639, 22850825). This suggests that this residue is clinically significant, and that variants that disrupt this residue are likely to be disease-causing. In summary, the currently available evidence indicates that the variant is pathogenic, but additional data are needed to prove that conclusively. Therefore, this variant has been classified as Likely Pathogenic.

Literature cited by the submitters: PubMed 7599639; PubMed 22850825.